The following is an entry in ClinVar:

NM_005477.3(HCN4):c.232G>A (p.Glu78Lys)

Gene: HCN4 (hyperpolarization activated cyclic nucleotide gated potassium channel 4; minus strand). Cytogenetic location: 15q24.1.
Variant type: single nucleotide variant.
Coding change: c.232G>A on transcript NM_005477.3 (MANE Select); coding-DNA position 232, G replaced by A.
Protein change: p.Glu78Lys; replaces glutamic acid 78 with lysine.
Molecular consequence: missense variant.
Genome position (GRCh38, 1-based): chr15:73,368,039, C>T on the plus strand (G>A on the coding strand, the complement: HCN4 is on the minus strand). VCF-style: chr15-73368039-C-T. GRCh37 (hg19) VCF-style: chr15-73660380-C-T.
Other names: short protein forms E78K.
Identifiers: ClinVar variation 4034007 (VCV004034007.1).

ClinVar aggregate classification (germline): Uncertain significance (1 of 4 stars; one submission).

Conditions:
Cardiovascular phenotype. Identifiers: MedGen CN230736.

gnomAD v4.1: 1 of 1,456,592 alleles (0.000069%); highest among the groups gnomAD compares: South Asian, 0.0013%; no homozygotes.

Submission:

Ambry Genetics
Classification: Uncertain significance for Cardiovascular phenotype. Last evaluated: 2025-04-24. Review status: criteria provided, single submitter. Criteria: Ambry Variant Classification Scheme 2023. Collection method: clinical testing. Allele origin: germline.
Comment: The p.E78K variant (also known as c.232G>A), located in coding exon 1 of the HCN4 gene, results from a G to A substitution at nucleotide position 232. The glutamic acid at codon 78 is replaced by lysine, an amino acid with similar properties. This amino acid position is conserved. In addition, this alteration is predicted to be tolerated by in silico analysis. Based on the available evidence, the clinical significance of this variant remains unclear.